The following is an entry in ClinVar:

ClinVar aggregate classification (germline): Uncertain significance. Review status: criteria provided, multiple submitters, no conflicts (2 of 4 stars). 3 submissions from 3 submitters: Uncertain significance (3). Last evaluated 2025-08-26.

Conditions:
Inborn genetic diseases. Identifiers: MedGen C0950123, MeSH D030342.

Allele frequency attached by ClinVar (database versions not stated): TOPMed 0.00003; gnomAD 0.00006; ESP Exome Variant Server 0.00008; ExAC 0.00010.
gnomAD v4.1: 157 of 1,612,492 alleles (0.0097%); highest among the groups gnomAD compares: South Asian, 0.06%; 1 homozygote.

Submissions (3):

Ambry Genetics
Classification: Uncertain significance for Inborn genetic diseases. Last evaluated: 2025-08-26. Review status: criteria provided, single submitter. Criteria: Ambry Variant Classification Scheme 2023. Collection method: clinical testing. Allele origin: germline.

Labcorp Genetics (formerly Invitae), Labcorp
Classification: Uncertain significance. Last evaluated: 2022-08-09. Review status: criteria provided, single submitter. Criteria: Invitae Variant Classification Sherloc (09022015). Collection method: clinical testing. Allele origin: germline.
Comment: This sequence change replaces tryptophan, which is neutral and slightly polar, with leucine, which is neutral and non-polar, at codon 73 of the NDUFB3 protein (p.Trp73Leu). This variant is present in population databases (rs370085037, gnomAD 0.07%). This variant has not been reported in the literature in individuals affected with NDUFB3-related conditions. Algorithms developed to predict the effect of missense changes on protein structure and function are either unavailable or do not agree on the potential impact of this missense change (SIFT: "Tolerated"; PolyPhen-2: "Probably Damaging"; Align-GVGD: "Class C0"). In summary, the available evidence is currently insufficient to determine the role of this variant in disease. Therefore, it has been classified as a Variant of Uncertain Significance.

Breakthrough Genomics
Classification: Uncertain significance. Review status: criteria provided, single submitter. Criteria: ACMG Guidelines, 2015. Collection method: not provided. Allele origin: germline. Inheritance: Autosomal recessive inheritance. Affected: yes.

NM_002491.3(NDUFB3):c.218G>T (p.Trp73Leu)

Gene: NDUFB3 (NADH:ubiquinone oxidoreductase subunit B3; plus strand). Cytogenetic location: 2q33.1.
Variant type: single nucleotide variant.
Coding change: c.218G>T on transcript NM_002491.3 (MANE Select); coding-DNA position 218, G replaced by T.
Protein change: p.Trp73Leu; replaces tryptophan 73 with leucine.
Molecular consequence: missense variant.
Genome position (GRCh38, 1-based): chr2:201,085,536, G>T. VCF-style: chr2-201085536-G-T. GRCh37 (hg19) VCF-style: chr2-201950259-G-T.
Other names: c.218G>T, p.Trp73Leu (NM_001257102.2); c.218G>T (NM_002491.2); short protein forms W73L.
Identifiers: ClinVar variation 2080616 (VCV002080616.3), dbSNP rs370085037, ClinGen allele CA2052330.